The following is an entry in ClinVar:

NM_001282531.3(ADNP):c.1106_1108delinsCTGT (p.Leu369fs)

Gene: ADNP (activity dependent neuroprotector homeobox; minus strand). Cytogenetic location: 20q13.13.
Variant type: Indel.
Coding change: c.1106_1108delinsCTGT on transcript NM_001282531.3 (MANE Select); coding-DNA positions 1106 to 1108, TAC replaced by CTGT.
Protein change: p.Leu369fs; shifts the reading frame from leucine 369.
Molecular consequence: frameshift variant.
Genome position (GRCh38, 1-based): chr20:50,893,606-50,893,608, GTA replaced by ACAG on the plus strand (TAC replaced by CTGT on the coding strand, the reverse complement: ADNP is on the minus strand). VCF-style: chr20-50893606-GTA-ACAG. GRCh37 (hg19) VCF-style: chr20-49510143-GTA-ACAG.
Other names: c.1106_1108delinsCTGT, p.Leu369fs (NM_001282532.2, NM_001347511.2, NM_015339.5 and 1 more transcripts); short protein forms L369fs.
Identifiers: ClinVar variation 265590 (VCV000265590.1), dbSNP rs886039649, ClinGen allele CA10588701.

ClinVar aggregate classification (germline): Pathogenic (1 of 4 stars; one submission).

Submission:

GeneDx
Classification: Pathogenic. Last evaluated: 2016-06-06. Review status: criteria provided, single submitter. Criteria: GeneDx Variant Classification (06012015). Collection method: clinical testing. Allele origin: germline. Affected: yes.
Comment: The c.1106_1108delTACinsCTGT pathogenic variant in the ADNP gene has not been reported previously as a pathogenic variant nor as a benign variant, to our knowledge. The c.1106_1108delTACinsCTGT variant causes a frameshift starting with codon Leucine 369, changes this amino acid to a Serine residue, and creates a premature Stop codon at position 30 of the new reading frame, denoted p.Leu369SerfsX30. This variant is predicted to cause loss of normal protein function through protein truncation. The c.1106_1108delTACinsCTGT variant was not observed in approximately 6,500 individuals of European and African American ancestry in the NHLBI Exome Sequencing Project, indicating it is not a common benign variant in these populations. We interpret c.1106_1108delTACinsCTGT as a pathogenic variant.